The following is an entry in ClinVar:

NM_000548.5(TSC2):c.5370G>C (p.Val1790=)

Gene: TSC2 (TSC complex subunit 2; plus strand). Cytogenetic location: 16p13.3.
Variant type: single nucleotide variant.
Coding change: c.5370G>C on transcript NM_000548.5 (MANE Select); coding-DNA position 5370, G replaced by C.
Protein change: p.Val1790=; no amino-acid change (valine 1790 retained).
Molecular consequence: synonymous variant.
Genome position (GRCh38, 1-based): chr16:2,088,556, G>C. VCF-style: chr16-2088556-G-C. GRCh37 (hg19) VCF-style: chr16-2138557-G-C.
Other names: c.5169G>C, p.Val1723= (NM_001077183.3); c.5301G>C, p.Val1767= (NM_001114382.3); c.5061G>C, p.Val1687= (NM_001318827.2); c.5025G>C, p.Val1675= (NM_001318829.2); c.4638G>C, p.Val1546= (NM_001318831.2); c.5202G>C, p.Val1734= (NM_001318832.2); c.5172G>C, p.Val1724= (NM_001363528.2); c.5238G>C, p.Val1746= (NM_001370404.1); and 2 more.
Identifiers: ClinVar variation 380326 (VCV000380326.22), dbSNP rs762032752, ClinGen allele CA055250.

ClinVar aggregate classification (germline): Benign/Likely benign. Review status: criteria provided, multiple submitters, no conflicts (2 of 4 stars). 6 submissions from 6 submitters: Benign (2); Likely benign (4). Last evaluated 2025-11-23.

Conditions:
Hereditary cancer-predisposing syndrome. Also called: Hereditary neoplastic syndrome; Tumor predisposition; Neoplastic Syndromes, Hereditary; Hereditary Cancer Syndrome. Identifiers: Orphanet 140162, MedGen C0027672, MeSH D009386, MONDO:0015356.
Tuberous sclerosis 2 (TSC2). Identifiers: Orphanet 805, MedGen C1860707, MONDO:0013199, OMIM 613254.

Allele frequency attached by ClinVar (database versions not stated): TOPMed 0.00001; ExAC 0.00001; gnomAD exomes 0.00001.
gnomAD v4.1: 52 of 1,611,314 alleles (0.0032%); highest among the groups gnomAD compares: Non-Finnish European, 0.0041%; no homozygotes.

Submissions (6):

Labcorp Genetics (formerly Invitae), Labcorp
Classification: Likely benign for Tuberous sclerosis 2. Last evaluated: 2025-11-23. Review status: criteria provided, single submitter. Criteria: Invitae Variant Classification Sherloc (09022015). Collection method: clinical testing. Allele origin: germline.

Myriad Genetics, Inc.
Classification: Benign for Tuberous sclerosis 2. Last evaluated: 2025-06-09. Review status: criteria provided, single submitter. Criteria: Myriad Autosomal Dominant, Autosomal Recessive and X-Linked Classification Criteria (2023). Collection method: clinical testing. Allele origin: unknown.
Comment: This variant is considered benign. This variant is a silent/synonymous amino acid change and it is not expected to impact splicing.

Sema4
Classification: Likely benign for Hereditary cancer-predisposing syndrome. Last evaluated: 2021-12-01. Review status: criteria provided, single submitter. Criteria: Sema4 Curation Guidelines. Collection method: curation. Allele origin: germline.

Genome-Nilou Lab
Classification: Benign for Tuberous sclerosis 2. Last evaluated: 2021-11-07. Review status: criteria provided, single submitter. Criteria: ACMG Guidelines, 2015. Collection method: clinical testing. Allele origin: germline. Affected: no.

GeneDx
Classification: Likely benign. Last evaluated: 2020-06-01. Review status: criteria provided, single submitter. Criteria: GeneDx Variant Classification Process June 2021. Collection method: clinical testing. Allele origin: germline. Affected: yes.

Ambry Genetics
Classification: Likely benign for Hereditary cancer-predisposing syndrome. Last evaluated: 2018-03-20. Review status: criteria provided, single submitter. Criteria: Ambry Variant Classification Scheme 2023. Collection method: clinical testing. Allele origin: germline.